The following is an entry in ClinVar:

NM_005475.3(SH2B3):c.494C>A (p.Thr165Asn)

Gene: SH2B3 (SH2B adaptor protein 3; plus strand). Cytogenetic location: 12q24.12.
Variant type: single nucleotide variant.
Coding change: c.494C>A on transcript NM_005475.3 (MANE Select); coding-DNA position 494, C replaced by A.
Protein change: p.Thr165Asn; replaces threonine 165 with asparagine.
Molecular consequence: missense variant.
Genome position (GRCh38, 1-based): chr12:111,418,639, C>A. VCF-style: chr12-111418639-C-A. GRCh37 (hg19) VCF-style: chr12-111856443-C-A.
Other names: short protein forms T165N.
Identifiers: ClinVar variation 3795045 (VCV003795045.1).

ClinVar aggregate classification (germline): Uncertain significance (1 of 4 stars; one submission).

Conditions:
Inborn genetic diseases. Identifiers: MedGen C0950123, MeSH D030342.

gnomAD v4.1: 2 of 1,475,220 alleles (0.00014%); highest among the groups gnomAD compares: South Asian, 0.0013%; no homozygotes.

Submission:

Ambry Genetics
Classification: Uncertain significance for Inborn genetic diseases. Last evaluated: 2024-12-25. Review status: criteria provided, single submitter. Criteria: Ambry Variant Classification Scheme 2023. Collection method: clinical testing. Allele origin: germline.
Comment: The p.T165N variant (also known as c.494C>A), located in coding exon 1 of the SH2B3 gene, results from a C to A substitution at nucleotide position 494. The threonine at codon 165 is replaced by asparagine, an amino acid with similar properties. This amino acid position is conserved. In addition, this alteration is predicted to be tolerated by in silico analysis. Based on the available evidence, the clinical significance of this variant remains unclear.